The following is an entry in ClinVar:

ClinVar aggregate classification (germline): Pathogenic. Review status: criteria provided, single submitter (1 of 4 stars). 2 submissions from 2 submitters: Pathogenic (1). 1 of the submissions does not count toward it. Last evaluated 2025-01-28.

Conditions:
Seizures, benign familial neonatal, 1. Also called: KCNQ2-Related Self-Limited Familial Neonatal Epilepsy (SLFNE); Seizures, benign neonatal, 1; Benign Neonatal Epilepsy 1; KCNQ2-Related Benign Familial Neonatal Epilepsy. Identifiers: Orphanet 1949, MedGen C3149074, MONDO:0007365, OMIM 121200.

Submissions (2):

GeneDx
Classification: Pathogenic. Last evaluated: 2025-01-28. Review status: criteria provided, single submitter. Criteria: GeneDx Variant Classification Process June 2021. Collection method: clinical testing. Allele origin: germline. Affected: yes.
Comment: Canonical splice site variant predicted to result in a null allele in a gene for which loss of function is a known mechanism of disease; Not observed at significant frequency in large population cohorts (gnomAD); This variant is associated with the following publications: (PMID: 28717674, 23360469, 29655203, 20437616)

GeneReviews
No classification provided. Condition: Seizures, benign familial neonatal, 1. Review status: no classification provided. Collection method: literature only. Allele origin: germline. Affected: yes. Not counted in ClinVar's aggregate classification.
Comment: BFNIS (benign familial neonatal-infantile seizures)

Literature cited by the submitters: PubMed 23360469 (cited by GeneReviews); NCBI Bookshelf NBK32534 (cited by GeneReviews).

NM_172107.4(KCNQ2):c.297-2A>G

Gene: KCNQ2 (potassium voltage-gated channel subfamily Q member 2; minus strand). Cytogenetic location: 20q13.33.
Variant type: single nucleotide variant.
Coding change: c.297-2A>G on transcript NM_172107.4 (MANE Select); the canonical splice acceptor site of the intron before coding-DNA position 297, A replaced by G.
Molecular consequence: splice acceptor variant.
Genome position (GRCh38, 1-based): chr20:63,446,839, T>C on the plus strand (A>G on the coding strand, the complement: KCNQ2 is on the minus strand). VCF-style: chr20-63446839-T-C. GRCh37 (hg19) VCF-style: chr20-62078192-T-C.
Other names: c.297-2A>G (NM_004518.6, NM_172108.5, NM_172106.3 and 2 more transcripts).
Identifiers: ClinVar variation 205861 (VCV000205861.4), dbSNP rs796052615, ClinGen allele CA315348.